The following is an entry in ClinVar:

NM_000260.4(MYO7A):c.2140G>A (p.Gly714Ser)

Gene: MYO7A (myosin VIIA; plus strand). Cytogenetic location: 11q13.5.
Variant type: single nucleotide variant.
Coding change: c.2140G>A on transcript NM_000260.4 (MANE Select); coding-DNA position 2140, G replaced by A.
Protein change: p.Gly714Ser; replaces glycine 714 with serine.
Molecular consequence: missense variant.
Genome position (GRCh38, 1-based): chr11:77,175,417, G>A. VCF-style: chr11-77175417-G-A. GRCh37 (hg19) VCF-style: chr11-76886463-G-A.
Other names: c.2140G>A, p.Gly714Ser (NM_001127180.2); c.2107G>A, p.Gly703Ser (NM_001369365.1); short protein forms G703S, G714S.
Identifiers: ClinVar variation 2145361 (VCV002145361.1), dbSNP rs782150387, ClinGen allele CA381939685.
Genomic context (GRCh38, chr11:77,175,417, plus strand): 5'-CCATCCTCACTCCAGGGCGACCTCCGCGGGACTTGCCAGCGCATGGCTGAGGCTGTGCTG[G>A]GCACCCACGATGACTGGCAGATAGGCAAAACCAAGATCTTTCTGAAGGTGAGCACAGATG-3'
Protein context (NP_000251.3, residues 704-724): TCQRMAEAVL[Gly714Ser]THDDWQIGKT

ClinVar aggregate classification (germline): Uncertain significance (1 of 4 stars; one submission).

Allele frequency attached by ClinVar (database versions not stated): gnomAD 0.00002; TOPMed 0.00002.
gnomAD v4.1: 10 of 1,613,238 alleles (0.00062%); highest among the groups gnomAD compares: East Asian, 0.0022%; no homozygotes.

Submission:

Labcorp Genetics (formerly Invitae), Labcorp
Classification: Uncertain significance. Last evaluated: 2022-02-03. Review status: criteria provided, single submitter. Criteria: Invitae Variant Classification Sherloc (09022015). Collection method: clinical testing. Allele origin: germline.
Comment: This sequence change replaces glycine, which is neutral and non-polar, with serine, which is neutral and polar, at codon 714 of the MYO7A protein (p.Gly714Ser). This variant is present in population databases (no rsID available, gnomAD 0.007%). This variant has not been reported in the literature in individuals affected with MYO7A-related conditions. Algorithms developed to predict the effect of missense changes on protein structure and function are either unavailable or do not agree on the potential impact of this missense change (SIFT: "Deleterious"; PolyPhen-2: "Possibly Damaging"; Align-GVGD: "Class C0"). In summary, the available evidence is currently insufficient to determine the role of this variant in disease. Therefore, it has been classified as a Variant of Uncertain Significance.